The following is an entry in ClinVar:

NM_002397.5(MEF2C):c.1201C>T (p.Arg401Cys)

Genes: MEF2C (myocyte enhancer factor 2C; minus strand), MEF2C-AS2 (MEF2C antisense RNA 2; plus strand). Cytogenetic location: 5q14.3.
Variant type: single nucleotide variant.
Coding change: c.1201C>T on transcript NM_002397.5 (MANE Select); coding-DNA position 1201, C replaced by T.
Protein change: p.Arg401Cys; replaces arginine 401 with cysteine.
Molecular consequence: missense variant. On other transcripts: non-coding transcript variant (1).
Genome position (GRCh38, 1-based): chr5:88,722,825, G>A on the plus strand (C>T on the coding strand, the complement: MEF2C is on the minus strand). VCF-style: chr5-88722825-G-A. GRCh37 (hg19) VCF-style: chr5-88018642-G-A.
Other names: c.1171C>T, p.Arg391Cys (NM_001131005.2); c.1231C>T, p.Arg411Cys (NM_001193347.1); c.1033C>T, p.Arg345Cys (NM_001193348.1); c.961C>T, p.Arg321Cys (NM_001193349.3, NM_001364332.2); c.1201C>T, p.Arg401Cys (NM_001193350.2, NM_001364329.2, NM_001364330.2 and 1 more transcripts); c.1177C>T, p.Arg393Cys (NM_001308002.3, NM_001364333.2); c.1105C>T, p.Arg369Cys (NM_001363581.2, NM_001364334.2, NM_001364335.2 and 2 more transcripts); c.1135C>T, p.Arg379Cys (NM_001364338.2); and 10 more; short protein forms R391C, R401C, R321C, R353C, P320L, P358L, P368L, R243C.
Identifiers: ClinVar variation 424592 (VCV000424592.8), dbSNP rs1064797057, ClinGen allele CA16618217.

ClinVar aggregate classification (germline): Likely pathogenic (1 of 4 stars; one submission).

Submission:

GeneDx
Classification: Likely pathogenic. Last evaluated: 2025-06-20. Review status: criteria provided, single submitter. Criteria: GeneDx Variant Classification Process June 2021. Collection method: clinical testing. Allele origin: germline. Affected: yes.
Comment: Reported (as p.(Arg411Cys) using alternate nomenclature in some cases) in probands with a neurodevelopmental disorder, but detailed clinical and segregation information were not always provided (PMID: 34022131, 33057194, 35982159); Not observed at significant frequency in large population cohorts (gnomAD); In silico analysis supports that this missense variant has a deleterious effect on protein structure/function; This variant is associated with the following publications: (PMID: 33057194, 35982159, 34022131)